The following is an entry in ClinVar:

ClinVar aggregate classification (germline): Uncertain significance (1 of 4 stars; one submission).

Submission:

GeneDx
Classification: Uncertain significance. Last evaluated: 2025-04-01. Review status: criteria provided, single submitter. Criteria: GeneDx Variant Classification Process June 2021. Collection method: clinical testing. Allele origin: germline. Affected: yes.
Comment: Not observed at significant frequency in large population cohorts (gnomAD); Has not been previously published as pathogenic or benign to our knowledge; Canonical splice site variant in a gene for which loss-of-function is not an established mechanism of disease

NM_005639.3(SYT1):c.1062+2T>C

Gene: SYT1 (synaptotagmin 1; plus strand). Cytogenetic location: 12q21.2.
Variant type: single nucleotide variant.
Coding change: c.1062+2T>C on transcript NM_005639.3 (MANE Select); the canonical splice donor site of the intron after coding-DNA position 1062, T replaced by C.
Molecular consequence: splice donor variant.
Genome position (GRCh38, 1-based): chr12:79,444,208, T>C. VCF-style: chr12-79444208-T-C. GRCh37 (hg19) VCF-style: chr12-79837988-T-C.
Other names: c.1062+2T>C (NM_001135805.2, NM_001415940.1, NM_001415939.1 and 2 more transcripts); c.1053+2T>C (NM_001415943.1, NM_001415941.1, NM_001291901.2 and 1 more transcripts).
Identifiers: ClinVar variation 4278786 (VCV004278786.1).
Genomic context (GRCh38, chr12:79,444,208, plus strand): 5'-CACTTAACCCCTACTACAATGAGTCATTCAGCTTTGAAGTACCTTTTGAACAAATCCAGG[T>C]AATGTCAAACATAACTTTGTCTTCCCACTCAATTTCATTCCTTCAGACCACATAAATTAT-3'